The following is an entry in ClinVar:

ClinVar aggregate classification (germline): Likely pathogenic (1 of 4 stars; one submission).

Allele frequency attached by ClinVar (database versions not stated): ExAC 0.00024.

Submission:

GeneDx
Classification: Likely pathogenic. Last evaluated: 2016-07-26. Review status: criteria provided, single submitter. Criteria: GeneDx Variant Classification (06012015). Collection method: clinical testing. Allele origin: germline. Affected: yes.
Comment: The D844G variant in the ABCA12 gene has not been reported previously as a pathogenic variant, nor as a benign variant, to our knowledge. It was also not observed in approximately 6,500 individuals of European and African American ancestry in the NHLBI Exome Sequencing Project, indicating it is not a common benign variant in these populations. D844G is a non-conservative amino acid substitution, which is likely to impact secondary protein structure as these residues differ in polarity, charge, size and/or other properties. Although this substitution occurs at a position that is not conserved, in silico analysis predicts this variant is probably damaging to the protein structure/function. Additionally, the D844G variant has been observed in trans with another pathogenic ABCA12 variant in patients with autosomal recessive congenital ichthyosis referred for testing at GeneDx, thus further lending support to its pathogenicity. Therefore, the D844G variant is a strong candidate for a pathogenic variant.The presence of the c.7206_7207delGGinsC pathogenic variant and the D844G likely pathogenic variant is consistent with the diagnosis of Harlequin Ichthyosis or ABCA12-related congenital ichthyosis if the two variants were inherited on opposite alleles (in trans). Parental testing can confirm whether these variants were inherited on opposite ABCA12 alleles (in trans) or on the same allele (in cis).

NM_173076.3(ABCA12):c.2531A>G (p.Asp844Gly)

Gene: ABCA12 (ATP binding cassette subfamily A member 12; minus strand). Cytogenetic location: 2q35.
Variant type: single nucleotide variant.
Coding change: c.2531A>G on transcript NM_173076.3 (MANE Select); coding-DNA position 2531, A replaced by G.
Protein change: p.Asp844Gly; replaces aspartic acid 844 with glycine.
Molecular consequence: missense variant. On other transcripts: non-coding transcript variant (1).
Genome position (GRCh38, 1-based): chr2:215,007,788, T>C on the plus strand (A>G on the coding strand, the complement: ABCA12 is on the minus strand). VCF-style: chr2-215007788-T-C. GRCh37 (hg19) VCF-style: chr2-215872512-T-C.
Other names: c.1577A>G, p.Asp526Gly (NM_015657.4); short protein forms D844G, D526G.
Identifiers: ClinVar variation 265003 (VCV000265003.2), dbSNP rs756771290, ClinGen allele CA2091944.